The following is an entry in ClinVar:

ClinVar aggregate classification (germline): Conflicting classifications of pathogenicity. Review status: criteria provided, conflicting classifications (1 of 4 stars). 5 submissions from 4 submitters: Uncertain significance (1); Likely benign (4). Last evaluated 2024-09-29.

Conditions:
Inflammatory bowel disease 1 (IBD1). Also called: INFLAMMATORY BOWEL DISEASE (CROHN DISEASE) 1; Inflammatory bowel disease 1, Crohn disease. Identifiers: MedGen CN260071, MONDO:0009960, OMIM 266600.
Blau syndrome (BLAUS). Also called: GRANULOMATOSIS, FAMILIAL JUVENILE SYSTEMIC; GRANULOMATOSIS, FAMILIAL, BLAU TYPE; GRANULOMATOUS INFLAMMATORY ARTHRITIS, DERMATITIS, AND UVEITIS, FAMILIAL; JABS SYNDROME; ARTHROCUTANEOUVEAL GRANULOMATOSIS. Identifiers: Orphanet 90340, MedGen C5201146, MONDO:0008523, OMIM 186580.
Regional enteritis. Also called: Enteritis, Granulomatous. Identifiers: MedGen C0678202, MeSH D003424.

Allele frequency attached by ClinVar (database versions not stated): gnomAD 0.00003; TOPMed 0.00004; ESP Exome Variant Server 0.00015.
gnomAD v4.1: 57 of 1,613,532 alleles (0.0035%); highest among the groups gnomAD compares: Admixed American, 0.0067%; no homozygotes.

Submissions (5):

Labcorp Genetics (formerly Invitae), Labcorp
Classification: Likely benign for Regional enteritis; Blau syndrome. Last evaluated: 2024-09-29. Review status: criteria provided, single submitter. Criteria: Invitae Variant Classification Sherloc (09022015). Collection method: clinical testing. Allele origin: germline.

Blueprint Genetics
Classification: Likely benign. Last evaluated: 2022-06-01. Review status: criteria provided, single submitter. Criteria: ACMG Guidelines, 2015. Collection method: clinical testing. Allele origin: germline.

Illumina Laboratory Services, Illumina
Classification: Uncertain significance for Inflammatory bowel disease 1. Last evaluated: 2018-01-13. Review status: criteria provided, single submitter. Criteria: ICSL Variant Classification Criteria 13 December 2019. Collection method: clinical testing. Allele origin: germline.

Illumina Laboratory Services, Illumina
Classification: Likely benign for Blau syndrome. Last evaluated: 2018-01-13. Review status: criteria provided, single submitter. Criteria: ICSL Variant Classification Criteria 13 December 2019. Collection method: clinical testing. Allele origin: germline.
Comment: This variant was observed in the ICSL laboratory as part of a predisposition screen in an ostensibly healthy population. It had not been previously curated by ICSL or reported in the Human Gene Mutation Database (HGMD: prior to June 1st, 2018), and was therefore a candidate for classification through an automated scoring system. Utilizing variant allele frequency, disease prevalence and penetrance estimates, and inheritance mode, an automated score was calculated to assess if this variant is too frequent to cause the disease. Based on the score and internal cut-off values, a variant classified as likely benign is not then subjected to further curation. The score for this variant resulted in a classification of likely benign for this disease.

CeGaT Center for Human Genetics Tuebingen
Classification: Likely benign. Last evaluated: 2017-09-01. Review status: criteria provided, single submitter. Criteria: CeGaT Center For Human Genetics Tuebingen Variant Classification Criteria Version 2. Collection method: clinical testing. Allele origin: germline. Affected: yes. Observed: 1 variant allele.

NM_001370466.1(NOD2):c.726G>A (p.Pro242=)

Gene: NOD2 (nucleotide binding oligomerization domain containing 2; plus strand). Cytogenetic location: 16q12.1.
Variant type: single nucleotide variant.
Coding change: c.726G>A on transcript NM_001370466.1 (MANE Select); coding-DNA position 726, G replaced by A.
Protein change: p.Pro242=; no amino-acid change (proline 242 retained).
Molecular consequence: synonymous variant. On other transcripts: non-coding transcript variant (1).
Genome position (GRCh38, 1-based): chr16:50,710,718, G>A. VCF-style: chr16-50710718-G-A. GRCh37 (hg19) VCF-style: chr16-50744629-G-A.
Other names: c.726G>A, p.Pro242= (NM_001293557.2); c.807G>A, p.Pro269= (NM_022162.3); c.807G>A (LRG_177t1).
Identifiers: ClinVar variation 319436 (VCV000319436.55), dbSNP rs369766454, ClinGen allele CA8051400.